The following is an entry in ClinVar:

ClinVar aggregate classification (germline): Uncertain significance. Review status: criteria provided, multiple submitters, no conflicts (2 of 4 stars). 3 submissions from 3 submitters: Uncertain significance (2). 1 of the submissions does not count toward it. Last evaluated 2024-12-06.

Conditions:
SIM1-related disorder. Also called: SIM1-related disorders; SIM1-related condition.
Obesity due to SIM1 deficiency. Identifiers: Orphanet 369873, MedGen C5191050, MONDO:0018244.

Allele frequency attached by ClinVar (database versions not stated): ExAC 0.00001; gnomAD exomes 0.00001.

Submissions (3):

GeneDx
Classification: Uncertain significance. Last evaluated: 2024-12-06. Review status: criteria provided, single submitter. Criteria: GeneDx Variant Classification Process June 2021. Collection method: clinical testing. Allele origin: germline. Affected: yes.
Comment: Not observed at significant frequency in large population cohorts (gnomAD); In silico analysis indicates that this missense variant does not alter protein structure/function; Has not been previously published as pathogenic or benign to our knowledge

Illumina Laboratory Services, Illumina
Classification: Uncertain significance for Obesity due to SIM1 deficiency. Last evaluated: 2018-01-13. Review status: criteria provided, single submitter. Criteria: ICSL Variant Classification Criteria 13 December 2019. Collection method: clinical testing. Allele origin: germline.

PreventionGenetics, part of Exact Sciences
Classification: Uncertain significance for SIM1-related condition. Last evaluated: 2023-12-18. Review status: no assertion criteria provided. Collection method: clinical testing. Allele origin: germline. Not counted in ClinVar's aggregate classification.
Comment: The SIM1 c.226G>A variant is predicted to result in the amino acid substitution p.Val76Ile. To our knowledge, this variant has not been reported in the literature. This variant is reported in 0.00089% of alleles in individuals of European (Non-Finnish) descent in gnomAD). At this time, the clinical significance of this variant is uncertain due to the absence of conclusive functional and genetic evidence.

NM_005068.3(SIM1):c.226G>A (p.Val76Ile)

Gene: SIM1 (SIM bHLH transcription factor 1; minus strand). Cytogenetic location: 6q16.3.
Variant type: single nucleotide variant.
Coding change: c.226G>A on transcript NM_005068.3 (MANE Select); coding-DNA position 226, G replaced by A.
Protein change: p.Val76Ile; replaces valine 76 with isoleucine.
Molecular consequence: missense variant.
Genome position (GRCh38, 1-based): chr6:100,453,794, C>T on the plus strand (G>A on the coding strand, the complement: SIM1 is on the minus strand). VCF-style: chr6-100453794-C-T. GRCh37 (hg19) VCF-style: chr6-100901670-C-T.
Other names: c.226G>A, p.Val76Ile (NM_001374769.1); short protein forms V76I.
Identifiers: ClinVar variation 904787 (VCV000904787.6), dbSNP rs756912317, ClinGen allele CA3937378.